The following is an entry in ClinVar:

NM_001042492.3(NF1):c.5151G>A (p.Glu1717=)

Gene: NF1 (neurofibromin 1; plus strand). Cytogenetic location: 17q11.2.
Variant type: single nucleotide variant.
Coding change: c.5151G>A on transcript NM_001042492.3 (MANE Select); coding-DNA position 5151, G replaced by A.
Protein change: p.Glu1717=; no amino-acid change (glutamic acid 1717 retained).
Molecular consequence: synonymous variant.
Genome position (GRCh38, 1-based): chr17:31,326,135, G>A. VCF-style: chr17-31326135-G-A. GRCh37 (hg19) VCF-style: chr17-29653153-G-A.
Other names: c.5088G>A, p.Glu1696= (NM_000267.4).
Identifiers: ClinVar variation 2163437 (VCV002163437.5), dbSNP rs1267478822, ClinGen allele CA499233177.
Genomic context (GRCh38, chr17:31,326,135, plus strand): 5'-GACTGGCCTCAAAGGTAGCAAAAGGCTTGTTTTCATAGACTGTCCTGGGAAACTGGCTGA[G>A]CACATAGAGCATGAACAACAGAAACTACCTGCTGCCACCTTGGCTTTAGAAGAGGACCTG-3'
Protein context (NP_001035957.1, residues 1707-1727): VFIDCPGKLA[Glu1717=]HIEHEQQKLP

ClinVar aggregate classification (germline): Benign/Likely benign. Review status: criteria provided, multiple submitters, no conflicts (2 of 4 stars). 2 submissions from 2 submitters: Benign (1); Likely benign (1). Last evaluated 2026-09-28.

Conditions:
Neurofibromatosis, type 1 (NF1). Also called: Neurofibromatosis, type I; NEUROFIBROMATOSIS, TYPE I, SOMATIC; VON RECKLINGHAUSEN DISEASE; Peripheral type neurofibromatosis. Identifiers: Orphanet 636, MedGen C0027831, MONDO:0018975, OMIM 162200. Disease mechanism: loss of function.

Submissions (2):

Myriad Genetics, Inc.
Classification: Benign for Neurofibromatosis, type 1. Last evaluated: 2026-09-28. Review status: criteria provided, single submitter. Criteria: Myriad Autosomal Dominant, Autosomal Recessive and X-Linked Classification Criteria (2023). Collection method: clinical testing. Allele origin: unknown.
Comment: This variant is considered benign. This variant is a silent/synonymous amino acid change and it is not expected to impact splicing.

Labcorp Genetics (formerly Invitae), Labcorp
Classification: Likely benign for Neurofibromatosis, type 1. Last evaluated: 2023-07-17. Review status: criteria provided, single submitter. Criteria: Invitae Variant Classification Sherloc (09022015). Collection method: clinical testing. Allele origin: germline.